The following is an entry in ClinVar:

NM_001267550.2(TTN):c.43748-7C>T

Gene: TTN (titin; minus strand). Cytogenetic location: 2q31.2.
Variant type: single nucleotide variant.
Coding change: c.43748-7C>T on transcript NM_001267550.2 (MANE Select); 7 bases into the intron before coding-DNA position 43748, C replaced by T.
Molecular consequence: intron variant.
Genome position (GRCh38, 1-based): chr2:178,631,307, G>A on the plus strand (C>T on the coding strand, the complement: TTN is on the minus strand). VCF-style: chr2-178631307-G-A. GRCh37 (hg19) VCF-style: chr2-179496034-G-A.
Other names: c.16553-7C>T (NM_003319.4); c.17129-7C>T (NM_133437.4); c.16928-7C>T (NM_133432.3); c.36044-7C>T (NM_133378.4); c.38825-7C>T (NM_001256850.1).
Identifiers: ClinVar variation 286449 (VCV000286449.14), dbSNP rs771927358, ClinGen allele CA1995807.

ClinVar aggregate classification (germline): Conflicting classifications of pathogenicity. Review status: criteria provided, conflicting classifications (1 of 4 stars). 4 submissions from 4 submitters: Uncertain significance (1); Likely benign (3). Last evaluated 2025-08-11.

Conditions:
Dilated cardiomyopathy 1G (CMD1G). Identifiers: Orphanet 154, MedGen C1858763, MONDO:0011400, OMIM 604145.
Autosomal recessive limb-girdle muscular dystrophy type 2J (LGMDR10). Also called: Limb-girdle muscular dystrophy, type 2J; MUSCULAR DYSTROPHY, LIMB-GIRDLE, AUTOSOMAL RECESSIVE 10. Identifiers: Orphanet 140922, MedGen C1837342, MONDO:0012127, OMIM 608807.

Allele frequency attached by ClinVar (database versions not stated): gnomAD 0.00001; TOPMed 0.00001; gnomAD exomes 0.00005 and 0.00007; ExAC 0.00014.
gnomAD v4.1: 76 of 1,599,786 alleles (0.0048%); highest among the groups gnomAD compares: Non-Finnish European, 0.004%; no homozygotes.

Submissions (4):

Labcorp Genetics (formerly Invitae), Labcorp
Classification: Likely benign for Dilated cardiomyopathy 1G; Autosomal recessive limb-girdle muscular dystrophy type 2J. Last evaluated: 2025-08-11. Review status: criteria provided, single submitter. Criteria: Invitae Variant Classification Sherloc (09022015). Collection method: clinical testing. Allele origin: germline.

Blueprint Genetics
Classification: Likely benign. Last evaluated: 2024-03-12. Review status: criteria provided, single submitter. Criteria: ACMG Guidelines, 2015. Collection method: clinical testing. Allele origin: germline.

GeneDx
Classification: Likely benign. Last evaluated: 2017-05-30. Review status: criteria provided, single submitter. Criteria: GeneDx Variant Classification (06012015). Collection method: clinical testing. Allele origin: germline. Affected: yes.
Comment: This variant is considered likely benign or benign based on one or more of the following criteria: it is a conservative change, it occurs at a poorly conserved position in the protein, it is predicted to be benign by multiple in silico algorithms, and/or has population frequency not consistent with disease.

Eurofins Ntd Llc (ga)
Classification: Uncertain significance. Last evaluated: 2016-02-24. Review status: criteria provided, single submitter. Criteria: EGL Classification Definitions 2015. Collection method: clinical testing. Allele origin: germline. Observed: 2 variant alleles, 2 heterozygotes.